The following is an entry in ClinVar:

ClinVar aggregate classification (germline): Likely benign. Review status: criteria provided, multiple submitters, no conflicts (2 of 4 stars). 2 submissions from 2 submitters: Likely benign (2). Last evaluated 2025-08-20.

Allele frequency attached by ClinVar (database versions not stated): gnomAD 0.00003 and 0.00004.
gnomAD v4.1: 38 of 1,238,974 alleles (0.0031%); highest among the groups gnomAD compares: South Asian, 0.0036%; no homozygotes.

Submissions (2):

Labcorp Genetics (formerly Invitae), Labcorp
Classification: Likely benign. Last evaluated: 2025-08-20. Review status: criteria provided, single submitter. Criteria: Invitae Variant Classification Sherloc (09022015). Collection method: clinical testing. Allele origin: germline.

CeGaT Center for Human Genetics Tuebingen
Classification: Likely benign. Last evaluated: 2022-08-01. Review status: criteria provided, single submitter. Criteria: CeGaT Center For Human Genetics Tuebingen Variant Classification Criteria Version 2. Collection method: clinical testing. Allele origin: germline. Affected: yes. Observed: 1 variant allele.
Comment: FBXO11: BP4, BP7

NM_001190274.2(FBXO11):c.171T>G (p.Pro57=)

Genes: FBXO11 (F-box protein 11; minus strand), LOC100506235 (uncharacterized LOC100506235; plus strand). Cytogenetic location: 2p16.3.
Variant type: single nucleotide variant.
Coding change: c.171T>G on transcript NM_001190274.2 (MANE Select); coding-DNA position 171, T replaced by G.
Protein change: p.Pro57=; no amino-acid change (proline 57 retained).
Molecular consequence: synonymous variant.
Genome position (GRCh38, 1-based): chr2:47,905,550, A>C on the plus strand (T>G on the coding strand, the complement: FBXO11 is on the minus strand). VCF-style: chr2-47905550-A-C. GRCh37 (hg19) VCF-style: chr2-48132689-A-C.
Identifiers: ClinVar variation 1616116 (VCV001616116.32), dbSNP rs1439315064, ClinGen allele CA426085415.